The following is an entry in ClinVar:

ClinVar aggregate classification (germline): Likely benign (1 of 4 stars; one submission).

gnomAD v4.1: 2 of 1,614,074 alleles (0.00012%); highest among the groups gnomAD compares: Non-Finnish European, 0.00017%; no homozygotes.

Submission:

CeGaT Center for Human Genetics Tuebingen
Classification: Likely benign. Last evaluated: 2025-05-01. Review status: criteria provided, single submitter. Criteria: CeGaT Center For Human Genetics Tuebingen Variant Classification Criteria Version 2. Collection method: clinical testing. Allele origin: germline. Affected: yes. Observed: 1 variant allele.
Comment: ENTPD1: BP4, BP7

NM_001776.6(ENTPD1):c.645G>C (p.Gly215=)

Genes: ENTPD1 (ectonucleoside triphosphate diphosphohydrolase 1; plus strand), ENTPD1-AS1 (ENTPD1 antisense RNA 1; minus strand). Cytogenetic location: 10q24.1.
Variant type: single nucleotide variant.
Coding change: c.645G>C on transcript NM_001776.6 (MANE Select); coding-DNA position 645, G replaced by C.
Protein change: p.Gly215=; no amino-acid change (glycine 215 retained).
Molecular consequence: synonymous variant.
Genome position (GRCh38, 1-based): chr10:95,845,428, G>C. VCF-style: chr10-95845428-G-C. GRCh37 (hg19) VCF-style: chr10-97605185-G-C.
Other names: c.666G>C, p.Gly222= (NM_001098175.2); c.681G>C, p.Gly227= (NM_001164178.1, NM_001320916.1); c.645G>C, p.Gly215= (NM_001164179.2); c.321G>C, p.Gly107= (NM_001164181.1, NM_001312654.1); c.231G>C, p.Gly77= (NM_001164182.2, NM_001164183.2).
Identifiers: ClinVar variation 3905090 (VCV003905090.10).